The following is an entry in ClinVar:

NM_015107.3(PHF8):c.2947C>A (p.Arg983Ser)

Gene: PHF8 (PHD finger protein 8; minus strand). Cytogenetic location: Xp11.22.
Variant type: single nucleotide variant.
Coding change: c.2947C>A on transcript NM_015107.3 (MANE Select); coding-DNA position 2947, C replaced by A.
Protein change: p.Arg983Ser; replaces arginine 983 with serine.
Molecular consequence: missense variant.
Genome position (GRCh38, 1-based): chrX:53,940,219, G>T on the plus strand (C>A on the coding strand, the complement: PHF8 is on the minus strand). VCF-style: chrX-53940219-G-T. GRCh37 (hg19) VCF-style: chrX-53966652-G-T.
Other names: c.3055C>A, p.Arg1019Ser (NM_001184896.1); c.2644C>A, p.Arg882Ser (NM_001184897.2); short protein forms R882S, R1019S, R983S.
Identifiers: ClinVar variation 1797977 (VCV001797977.2), dbSNP rs1271484888, ClinGen allele CA413240685.

ClinVar aggregate classification (germline): Uncertain significance (1 of 4 stars; one submission).

Conditions:
Inborn genetic diseases. Identifiers: MedGen C0950123, MeSH D030342.

gnomAD v4.1: 7 of 1,187,288 alleles (0.00059%); highest among the groups gnomAD compares: Non-Finnish European, 0.00079%; no homozygotes.

Submission:

Ambry Genetics
Classification: Uncertain significance for Inborn genetic diseases. Last evaluated: 2018-08-04. Review status: criteria provided, single submitter. Criteria: Ambry Variant Classification Scheme 2023. Collection method: clinical testing. Allele origin: germline.
Comment: The p.R983S variant (also known as c.2947C>A), located in coding exon 20 of the PHF8 gene, results from a C to A substitution at nucleotide position 2947. The arginine at codon 983 is replaced by serine, an amino acid with dissimilar properties. This amino acid position is highly conserved in available vertebrate species. In addition, this alteration is predicted to be tolerated by in silico analysis. Since supporting evidence is limited at this time, the clinical significance of this alteration remains unclear.